The following is an entry in ClinVar:

ClinVar aggregate classification (germline): Uncertain significance (1 of 4 stars; one submission).

Submission:

Labcorp Genetics (formerly Invitae), Labcorp
Classification: Uncertain significance. Last evaluated: 2022-07-25. Review status: criteria provided, single submitter. Criteria: Invitae Variant Classification Sherloc (09022015). Collection method: clinical testing. Allele origin: germline.
Comment: Algorithms developed to predict the effect of missense changes on protein structure and function (SIFT, PolyPhen-2, Align-GVGD) all suggest that this variant is likely to be tolerated. This variant has not been reported in the literature in individuals affected with PYCR2-related conditions. This variant is not present in population databases (gnomAD no frequency). This sequence change replaces lysine, which is basic and polar, with glutamic acid, which is acidic and polar, at codon 116 of the PYCR2 protein (p.Lys116Glu). In summary, the available evidence is currently insufficient to determine the role of this variant in disease. Therefore, it has been classified as a Variant of Uncertain Significance.

NM_013328.4(PYCR2):c.346A>G (p.Lys116Glu)

Gene: PYCR2 (pyrroline-5-carboxylate reductase 2; minus strand). Cytogenetic location: 1q42.12.
Variant type: single nucleotide variant.
Coding change: c.346A>G on transcript NM_013328.4 (MANE Select); coding-DNA position 346, A replaced by G.
Protein change: p.Lys116Glu; replaces lysine 116 with glutamic acid.
Molecular consequence: missense variant. On other transcripts: intron variant (1).
Genome position (GRCh38, 1-based): chr1:225,922,052, T>C on the plus strand (A>G on the coding strand, the complement: PYCR2 is on the minus strand). VCF-style: chr1-225922052-T-C. GRCh37 (hg19) VCF-style: chr1-226109752-T-C.
Other names: c.318+152A>G (NM_001271681.2); short protein forms K116E.
Identifiers: ClinVar variation 2013983 (VCV002013983.4), dbSNP rs1671856405, ClinGen allele CA345006514.